The following is an entry in ClinVar:

NC_000010.10:g.(?_101577045)_(101579046_?)dup

Gene: ABCC2 (ATP binding cassette subfamily C member 2; plus strand). Cytogenetic location: 10q24.2.
Variant type: Duplication.
Identifiers: ClinVar variation 3244947 (VCV003244947.1).

ClinVar aggregate classification (germline): Likely pathogenic (1 of 4 stars; one submission).

Submission:

Labcorp Genetics (formerly Invitae), Labcorp
Classification: Likely pathogenic. Last evaluated: 2023-08-11. Review status: criteria provided, single submitter. Criteria: Invitae Variant Classification Sherloc (09022015). Collection method: clinical testing. Allele origin: unknown.
Comment: In summary, the currently available evidence indicates that the variant is pathogenic, but additional data are needed to prove that conclusively. Therefore, this variant has been classified as Likely Pathogenic. This variant has not been reported in the literature in individuals affected with ABCC2-related conditions. This variant results in a copy number gain of the genomic region encompassing exon(s) 17-19 of the ABCC2 gene. While the exact position of this variant cannot be determined from the data, sub-genic copy number gains are generally in tandem (PMID: 25640679). This variant is predicted to be out-of-frame, and may result in an absent or disrupted protein product. Loss-of-function variants in ABCC2 are known to be pathogenic (PMID: 9185779, 16549534, 16952291).

Literature cited by the submitters: PubMed 25640679; PubMed 9185779; PubMed 16549534; PubMed 16952291.